The following is an entry in ClinVar:

NM_020988.3(GNAO1):c.860G>A (p.Cys287Tyr)

Gene: GNAO1 (G protein subunit alpha o1; plus strand). Cytogenetic location: 16q13.
Variant type: single nucleotide variant.
Coding change: c.860G>A on transcript NM_020988.3 (MANE Select); coding-DNA position 860, G replaced by A.
Protein change: p.Cys287Tyr; replaces cysteine 287 with tyrosine.
Molecular consequence: missense variant.
Genome position (GRCh38, 1-based): chr16:56,351,520, G>A. VCF-style: chr16-56351520-G-A. GRCh37 (hg19) VCF-style: chr16-56385432-G-A.
Other names: short protein forms C287Y.
Identifiers: ClinVar variation 3253541 (VCV003253541.1), dbSNP rs2543427382.

ClinVar aggregate classification (germline): Uncertain significance (1 of 4 stars; one submission).

Submission:

GeneDx
Classification: Uncertain significance. Last evaluated: 2024-02-16. Review status: criteria provided, single submitter. Criteria: GeneDx Variant Classification Process June 2021. Collection method: clinical testing. Allele origin: germline. Affected: yes.
Comment: Not observed at significant frequency in large population cohorts (gnomAD); In silico analysis supports that this missense variant has a deleterious effect on protein structure/function; Has not been previously published as pathogenic or benign to our knowledge